The following is an entry in ClinVar:

NM_139281.3(WDR36):c.942A>G (p.Arg314=)

Gene: WDR36 (WD repeat domain 36; plus strand). Cytogenetic location: 5q22.1.
Variant type: single nucleotide variant.
Coding change: c.942A>G on transcript NM_139281.3 (MANE Select); coding-DNA position 942, A replaced by G.
Protein change: p.Arg314=; no amino-acid change (arginine 314 retained).
Molecular consequence: synonymous variant.
Genome position (GRCh38, 1-based): chr5:111,104,732, A>G. VCF-style: chr5-111104732-A-G. GRCh37 (hg19) VCF-style: chr5-110440431-A-G.
Identifiers: ClinVar variation 3052470 (VCV003052470.2), dbSNP rs753999568, ClinGen allele CA3365494.

ClinVar aggregate classification (germline): Likely benign (0 of 4 stars; one submission).

Conditions:
WDR36-related disorder. Also called: WDR36-related condition.

Allele frequency attached by ClinVar (database versions not stated): ExAC 0.00002; gnomAD 0.00003; gnomAD exomes 0.00003; TOPMed 0.00006.
gnomAD v4.1: 50 of 1,611,300 alleles (0.0031%); highest among the groups gnomAD compares: Middle Eastern, 0.082%; no homozygotes.

Submission:

PreventionGenetics, part of Exact Sciences
Classification: Likely benign for WDR36-related condition. Last evaluated: 2019-09-05. Review status: no assertion criteria provided. Collection method: clinical testing. Allele origin: germline.
Comment: This variant is classified as likely benign based on ACMG/AMP sequence variant interpretation guidelines (Richards et al. 2015 PMID: 25741868, with internal and published modifications).